The following is an entry in ClinVar:

NM_000440.3(PDE6A):c.1714T>C (p.Phe572Leu)

Gene: PDE6A (phosphodiesterase 6A; minus strand). Cytogenetic location: 5q32.
Variant type: single nucleotide variant.
Coding change: c.1714T>C on transcript NM_000440.3 (MANE Select); coding-DNA position 1714, T replaced by C.
Protein change: p.Phe572Leu; replaces phenylalanine 572 with leucine.
Molecular consequence: missense variant.
Genome position (GRCh38, 1-based): chr5:149,895,197, A>G on the plus strand (T>C on the coding strand, the complement: PDE6A is on the minus strand). VCF-style: chr5-149895197-A-G. GRCh37 (hg19) VCF-style: chr5-149274760-A-G.
Other names: short protein forms F572L.
Identifiers: ClinVar variation 1022031 (VCV001022031.7), dbSNP rs370091675, ClinGen allele CA3504581.

ClinVar aggregate classification (germline): Uncertain significance (1 of 4 stars; one submission).

Allele frequency attached by ClinVar (database versions not stated): gnomAD exomes below 0.00001 and 0.00001; ExAC 0.00001; gnomAD 0.00006 and 0.00007; ESP Exome Variant Server 0.00008; TOPMed 0.00008.
gnomAD v4.1: 15 of 1,613,318 alleles (0.00093%); highest among the groups gnomAD compares: African/African-American, 0.019%; no homozygotes.

Submission:

Labcorp Genetics (formerly Invitae), Labcorp
Classification: Uncertain significance. Last evaluated: 2022-07-12. Review status: criteria provided, single submitter. Criteria: Invitae Variant Classification Sherloc (09022015). Collection method: clinical testing. Allele origin: germline.
Comment: This variant is present in population databases (rs370091675, gnomAD 0.01%). This sequence change replaces phenylalanine, which is neutral and non-polar, with leucine, which is neutral and non-polar, at codon 572 of the PDE6A protein (p.Phe572Leu). This variant has not been reported in the literature in individuals affected with PDE6A-related conditions. In summary, the available evidence is currently insufficient to determine the role of this variant in disease. Therefore, it has been classified as a Variant of Uncertain Significance. Algorithms developed to predict the effect of missense changes on protein structure and function are either unavailable or do not agree on the potential impact of this missense change (SIFT: "Deleterious"; PolyPhen-2: "Benign"; Align-GVGD: "Class C0"). ClinVar contains an entry for this variant (Variation ID: 1022031).